The following is an entry in ClinVar:

NM_006384.4(CIB1):c.466-5C>G

Gene: CIB1 (calcium and integrin binding 1; minus strand). Cytogenetic location: 15q26.1.
Variant type: single nucleotide variant.
Coding change: c.466-5C>G on transcript NM_006384.4 (MANE Select); 5 bases into the intron before coding-DNA position 466, C replaced by G.
Molecular consequence: intron variant.
Genome position (GRCh38, 1-based): chr15:90,231,027, G>C on the plus strand (C>G on the coding strand, the complement: CIB1 is on the minus strand). VCF-style: chr15-90231027-G-C. GRCh37 (hg19) VCF-style: chr15-90774259-G-C.
Other names: p.?; c.586-5C>G (NM_001277764.1, NM_001277764.2).
Identifiers: ClinVar variation 1167687 (VCV001167687.16), dbSNP rs1044813, ClinGen allele CA7734148.

ClinVar aggregate classification (germline): Benign. Review status: criteria provided, multiple submitters, no conflicts (2 of 4 stars). 5 submissions from 5 submitters: Benign (4). 1 of the submissions does not count toward it. Last evaluated 2026-02-04.

Conditions:
CIB1-related disorder. Also called: CIB1-related condition.

Allele frequency attached by ClinVar (database versions not stated): ESP Exome Variant Server 0.22241; gnomAD 0.24875 and 0.26238; TOPMed 0.26551; 1000 Genomes Project 30x 0.38866; 1000 Genomes Project 0.39657.
gnomAD v4.1: 432,433 of 1,613,294 alleles (27%); highest among the groups gnomAD compares: East Asian, 67%; 66,588 homozygotes.

Submissions (26):

Labcorp Genetics (formerly Invitae), Labcorp
Classification: Benign. Last evaluated: 2026-02-04. Review status: criteria provided, single submitter. Criteria: Invitae Variant Classification Sherloc (09022015). Collection method: clinical testing. Allele origin: germline.

Unidad de Genómica Garrahan, Hospital de Pediatría Garrahan
Classification: Benign. Last evaluated: 2024-01-24. Review status: criteria provided, single submitter. Criteria: ACMG Guidelines, 2015. Collection method: clinical testing. Allele origin: germline. Affected: no. Observed: 56 variant alleles.
Comment: This variant is classified as Benign based on local population frequency. This variant was detected in 64% of patients studied by a panel of primary immunodeficiencies. Number of patients: 56. Only high quality variants are reported.

Mayo Clinic Laboratories, Mayo Clinic
Classification: Benign. Last evaluated: 2022-09-06. Review status: criteria provided, single submitter. Criteria: ACMG Guidelines, 2015. Collection method: clinical testing. Allele origin: germline. Observed: 4 variant alleles.

Breakthrough Genomics
Classification: Benign. Review status: criteria provided, single submitter. Criteria: ACMG Guidelines, 2015. Collection method: not provided. Allele origin: germline. Inheritance: Autosomal recessive inheritance. Affected: yes.

PreventionGenetics, part of Exact Sciences
Classification: Benign for CIB1-related condition. Last evaluated: 2019-10-18. Review status: no assertion criteria provided. Collection method: clinical testing. Allele origin: germline. Not counted in ClinVar's aggregate classification.
Comment: This variant is classified as benign based on ACMG/AMP sequence variant interpretation guidelines (Richards et al. 2015 PMID: 25741868, with internal and published modifications).

Dr. Peter K. Rogan Lab, Western University
No classification provided (evidence only). Condition: Familial cancer of breast. Review status: no classification provided. Collection method: in vitro. Allele origin: not applicable. Functional consequence: retained intron. Not counted in ClinVar's aggregate classification.

Dr. Peter K. Rogan Lab, Western University
No classification provided (evidence only). Condition: Familial cancer of breast. Review status: no classification provided. Collection method: in vitro. Allele origin: not applicable. Functional consequence: retained intron. Not counted in ClinVar's aggregate classification.

Dr. Peter K. Rogan Lab, Western University
No classification provided (evidence only). Condition: Hepatocellular carcinoma. Review status: no classification provided. Collection method: in vitro. Allele origin: not applicable. Functional consequence: retained intron. Not counted in ClinVar's aggregate classification.

Dr. Peter K. Rogan Lab, Western University
No classification provided (evidence only). Condition: Hepatocellular carcinoma. Review status: no classification provided. Collection method: in vitro. Allele origin: not applicable. Functional consequence: retained intron. Not counted in ClinVar's aggregate classification.

Dr. Peter K. Rogan Lab, Western University
No classification provided (evidence only). Condition: Uterine carcinosarcoma. Review status: no classification provided. Collection method: in vitro. Allele origin: not applicable. Functional consequence: retained intron. Not counted in ClinVar's aggregate classification.

Dr. Peter K. Rogan Lab, Western University
No classification provided (evidence only). Condition: Uterine carcinosarcoma. Review status: no classification provided. Collection method: in vitro. Allele origin: not applicable. Functional consequence: retained intron. Not counted in ClinVar's aggregate classification.

Dr. Peter K. Rogan Lab, Western University
No classification provided (evidence only). Condition: Uterine carcinosarcoma. Review status: no classification provided. Collection method: in vitro. Allele origin: not applicable. Functional consequence: retained intron. Not counted in ClinVar's aggregate classification.

Dr. Peter K. Rogan Lab, Western University
No classification provided (evidence only). Condition: Uterine carcinosarcoma. Review status: no classification provided. Collection method: in vitro. Allele origin: not applicable. Functional consequence: retained intron. Not counted in ClinVar's aggregate classification.

Dr. Peter K. Rogan Lab, Western University
No classification provided (evidence only). Condition: Uterine carcinosarcoma. Review status: no classification provided. Collection method: in vitro. Allele origin: not applicable. Functional consequence: retained intron. Not counted in ClinVar's aggregate classification.

Dr. Peter K. Rogan Lab, Western University
No classification provided (evidence only). Condition: Uterine carcinosarcoma. Review status: no classification provided. Collection method: in vitro. Allele origin: not applicable. Functional consequence: retained intron. Not counted in ClinVar's aggregate classification.

Dr. Peter K. Rogan Lab, Western University
No classification provided (evidence only). Condition: Uterine carcinosarcoma. Review status: no classification provided. Collection method: in vitro. Allele origin: not applicable. Functional consequence: retained intron. Not counted in ClinVar's aggregate classification.

Dr. Peter K. Rogan Lab, Western University
No classification provided (evidence only). Condition: Uterine carcinosarcoma. Review status: no classification provided. Collection method: in vitro. Allele origin: not applicable. Functional consequence: retained intron. Not counted in ClinVar's aggregate classification.

Dr. Peter K. Rogan Lab, Western University
No classification provided (evidence only). Condition: Uterine carcinosarcoma. Review status: no classification provided. Collection method: in vitro. Allele origin: not applicable. Functional consequence: retained intron. Not counted in ClinVar's aggregate classification.

Dr. Peter K. Rogan Lab, Western University
No classification provided (evidence only). Condition: Uterine carcinosarcoma. Review status: no classification provided. Collection method: in vitro. Allele origin: not applicable. Functional consequence: retained intron. Not counted in ClinVar's aggregate classification.

Dr. Peter K. Rogan Lab, Western University
No classification provided (evidence only). Condition: Uterine carcinosarcoma. Review status: no classification provided. Collection method: in vitro. Allele origin: not applicable. Functional consequence: retained intron. Not counted in ClinVar's aggregate classification.

Dr. Peter K. Rogan Lab, Western University
No classification provided (evidence only). Condition: Uterine carcinosarcoma. Review status: no classification provided. Collection method: in vitro. Allele origin: not applicable. Functional consequence: retained intron. Not counted in ClinVar's aggregate classification.

Dr. Peter K. Rogan Lab, Western University
No classification provided (evidence only). Condition: Uterine carcinosarcoma. Review status: no classification provided. Collection method: in vitro. Allele origin: not applicable. Functional consequence: retained intron. Not counted in ClinVar's aggregate classification.

Dr. Peter K. Rogan Lab, Western University
No classification provided (evidence only). Condition: Uterine carcinosarcoma. Review status: no classification provided. Collection method: in vitro. Allele origin: not applicable. Functional consequence: retained intron. Not counted in ClinVar's aggregate classification.

Dr. Peter K. Rogan Lab, Western University
No classification provided (evidence only). Condition: Uterine carcinosarcoma. Review status: no classification provided. Collection method: in vitro. Allele origin: not applicable. Functional consequence: retained intron. Not counted in ClinVar's aggregate classification.

Dr. Peter K. Rogan Lab, Western University
No classification provided (evidence only). Condition: Uterine carcinosarcoma. Review status: no classification provided. Collection method: in vitro. Allele origin: not applicable. Functional consequence: retained intron. Not counted in ClinVar's aggregate classification.

Dr. Peter K. Rogan Lab, Western University
No classification provided (evidence only). Condition: Uterine carcinosarcoma. Review status: no classification provided. Collection method: in vitro. Allele origin: not applicable. Functional consequence: retained intron. Not counted in ClinVar's aggregate classification.